The following is an entry in ClinVar:

NM_006912.6(RIT1):c.541G>C (p.Glu181Gln)

Gene: RIT1 (Ras like without CAAX 1; minus strand). Cytogenetic location: 1q22.
Variant type: single nucleotide variant.
Coding change: c.541G>C on transcript NM_006912.6 (MANE Select); coding-DNA position 541, G replaced by C.
Protein change: p.Glu181Gln; replaces glutamic acid 181 with glutamine.
Molecular consequence: missense variant.
Genome position (GRCh38, 1-based): chr1:155,900,507, C>G on the plus strand (G>C on the coding strand, the complement: RIT1 is on the minus strand). VCF-style: chr1-155900507-C-G. GRCh37 (hg19) VCF-style: chr1-155870298-C-G.
Other names: c.433G>C, p.Glu145Gln (NM_001256820.2); c.592G>C, p.Glu198Gln (NM_001256821.2); short protein forms E198Q, E181Q, E145Q.
Identifiers: ClinVar variation 3433833 (VCV003433833.1).

ClinVar aggregate classification (germline): Uncertain significance (1 of 4 stars; one submission).

Conditions:
Cardiovascular phenotype. Identifiers: MedGen CN230736.

Submission:

Ambry Genetics
Classification: Uncertain significance for Cardiovascular phenotype. Last evaluated: 2024-11-05. Review status: criteria provided, single submitter. Criteria: Ambry Variant Classification Scheme 2023. Collection method: clinical testing. Allele origin: germline.
Comment: The p.E181Q variant (also known as c.541G>C), located in coding exon 5 of the RIT1 gene, results from a G to C substitution at nucleotide position 541. The glutamic acid at codon 181 is replaced by glutamine, an amino acid with highly similar properties. This amino acid position is conserved. In addition, this alteration is predicted to be tolerated by in silico analysis. Based on the available evidence, the clinical significance of this variant remains unclear.